The following is an entry in ClinVar:

NM_005356.5(LCK):c.154G>C (p.Glu52Gln)

Gene: LCK (LCK proto-oncogene, Src family tyrosine kinase; plus strand). Cytogenetic location: 1p35.2.
Variant type: single nucleotide variant.
Coding change: c.154G>C on transcript NM_005356.5 (MANE Select); coding-DNA position 154, G replaced by C.
Protein change: p.Glu52Gln; replaces glutamic acid 52 with glutamine.
Molecular consequence: missense variant.
Genome position (GRCh38, 1-based): chr1:32,274,785, G>C. VCF-style: chr1-32274785-G-C. GRCh37 (hg19) VCF-style: chr1-32740386-G-C.
Other names: c.154G>C, p.Glu52Gln (NM_001042771.3, NM_001330468.2); short protein forms E52Q.
Identifiers: ClinVar variation 1717675 (VCV001717675.5), dbSNP rs2521639041, ClinGen allele CA339636118.

ClinVar aggregate classification (germline): Uncertain significance (1 of 4 stars; one submission).

Conditions:
Severe combined immunodeficiency due to LCK deficiency. Also called: Immunodeficiency 22. Identifiers: Orphanet 280142, MedGen C4014233, MONDO:0014334, OMIM 615758.

Submission:

Labcorp Genetics (formerly Invitae), Labcorp
Classification: Uncertain significance for Severe combined immunodeficiency due to LCK deficiency. Last evaluated: 2022-08-22. Review status: criteria provided, single submitter. Criteria: Invitae Variant Classification Sherloc (09022015). Collection method: clinical testing. Allele origin: germline.
Comment: In summary, the available evidence is currently insufficient to determine the role of this variant in disease. Therefore, it has been classified as a Variant of Uncertain Significance. Algorithms developed to predict the effect of missense changes on protein structure and function output the following: SIFT: "Tolerated"; PolyPhen-2: "Benign"; Align-GVGD: "Class C0". The glutamine amino acid residue is found in multiple mammalian species, which suggests that this missense change does not adversely affect protein function. This variant has not been reported in the literature in individuals affected with LCK-related conditions. This variant is not present in population databases (gnomAD no frequency). This sequence change replaces glutamic acid, which is acidic and polar, with glutamine, which is neutral and polar, at codon 52 of the LCK protein (p.Glu52Gln).